The following is an entry in ClinVar:

NM_000157.4(GBA1):c.809C>G (p.Thr270Arg)

Genes: GBA1 (glucosylceramidase beta 1; minus strand), LOC106627981 (GBA recombination region; plus strand). Cytogenetic location: 1q22.
Variant type: single nucleotide variant.
Coding change: c.809C>G on transcript NM_000157.4 (MANE Select); coding-DNA position 809, C replaced by G.
Protein change: p.Thr270Arg; replaces threonine 270 with arginine.
Molecular consequence: missense variant.
Genome position (GRCh38, 1-based): chr1:155,237,531, G>C on the plus strand (C>G on the coding strand, the complement: GBA1 is on the minus strand). VCF-style: chr1-155237531-G-C. GRCh37 (hg19) VCF-style: chr1-155207322-G-C.
Other names: p.Thr270Arg; c.809C>G, p.Thr270Arg (NM_001005741.3, NM_001005742.3); c.548C>G, p.Thr183Arg (NM_001171811.2); c.662C>G, p.Thr221Arg (NM_001171812.2); short protein forms T270R, T221R, T183R.
Identifiers: ClinVar variation 4541477 (VCV004541477.1).

ClinVar aggregate classification (germline): Uncertain significance (1 of 4 stars; one submission).

gnomAD v4.1: 1 of 1,613,996 alleles (0.000062%); highest among the groups gnomAD compares: Non-Finnish European, 0.000085%; no homozygotes.

Submission:

Mayo Clinic Laboratories, Mayo Clinic
Classification: Uncertain significance. Last evaluated: 2024-11-25. Review status: criteria provided, single submitter. Criteria: ACMG Guidelines, 2015. Collection method: clinical testing. Allele origin: germline. Observed: 2 variant alleles.
Comment: PP3, PP4, PM2_supporting

Literature cited by the submitters: PubMed 12204005; PubMed 16185900; PubMed 27802905; PubMed 34897099.